The following is an entry in ClinVar:

NM_001330360.2(POLA1):c.2242T>G (p.Leu748Val)

Gene: POLA1 (DNA polymerase alpha 1, catalytic subunit; plus strand). Cytogenetic location: Xp22.11.
Variant type: single nucleotide variant.
Coding change: c.2242T>G on transcript NM_001330360.2 (MANE Select); coding-DNA position 2242, T replaced by G.
Protein change: p.Leu748Val; replaces leucine 748 with valine.
Molecular consequence: missense variant. On other transcripts: non-coding transcript variant (2).
Genome position (GRCh38, 1-based): chrX:24,741,400, T>G. VCF-style: chrX-24741400-T-G. GRCh37 (hg19) VCF-style: chrX-24759517-T-G.
Other names: c.2167T>G, p.Leu723Val (NM_001378303.1); c.2224T>G, p.Leu742Val (NM_016937.4); short protein forms L723V, L742V, L748V.
Identifiers: ClinVar variation 1723243 (VCV001723243.1), dbSNP rs2518834697, ClinGen allele CA412536044.

ClinVar aggregate classification (germline): Uncertain significance (1 of 4 stars; one submission).

Submission:

Women's Health and Genetics/Laboratory Corporation of America, LabCorp
Classification: Uncertain significance. Last evaluated: 2022-10-01. Review status: criteria provided, single submitter. Criteria: LabCorp Variant Classification Summary - May 2015. Collection method: clinical testing. Allele origin: germline.
Comment: Variant summary: POLA1 c.2224T>G (p.Leu742Val) results in a conservative amino acid change in the encoded protein sequence. Four of five in-silico tools predict a benign effect of the variant on protein function. The variant was absent in 182902 control chromosomes (gnomAD). The available data on variant occurrences in the general population are insufficient to allow any conclusion about variant significance. To our knowledge, no occurrence of c.2224T>G in individuals affected with X-Linked Intellectual Disability, Van Esch Type and no experimental evidence demonstrating its impact on protein function have been reported. No clinical diagnostic laboratories have submitted clinical-significance assessments for this variant to ClinVar after 2014. Based on the evidence outlined above, the variant was classified as uncertain significance.